The following is an entry in ClinVar:

ClinVar aggregate classification (germline): Likely benign (1 of 4 stars; one submission).

Allele frequency attached by ClinVar (database versions not stated): 1000 Genomes Project 30x 0.00172; 1000 Genomes Project 0.00180; ExAC 0.00367; gnomAD 0.00452; TOPMed 0.00485; ESP Exome Variant Server 0.00623.
gnomAD v4.1: 10,954 of 1,551,574 alleles (0.71%); highest among the groups gnomAD compares: Non-Finnish European, 0.88%; 42 homozygotes.

Submission:

CeGaT Center for Human Genetics Tuebingen
Classification: Likely benign. Last evaluated: 2023-05-01. Review status: criteria provided, single submitter. Criteria: CeGaT Center For Human Genetics Tuebingen Variant Classification Criteria Version 2. Collection method: clinical testing. Allele origin: germline. Affected: yes. Observed: 1 variant allele.
Comment: AFAP1: BP4, BP7, BS2

NM_001134647.2(AFAP1):c.2436C>T (p.Asn812=)

Genes: AFAP1 (actin filament associated protein 1; minus strand), AFAP1-AS1 (AFAP1 antisense RNA 1; plus strand). Cytogenetic location: 4p16.1.
Variant type: single nucleotide variant.
Coding change: c.2436C>T on transcript NM_001134647.2 (MANE Select); coding-DNA position 2436, C replaced by T.
Protein change: p.Asn812=; no amino-acid change (asparagine 812 retained).
Molecular consequence: synonymous variant.
Genome position (GRCh38, 1-based): chr4:7,763,774, G>A on the plus strand (C>T on the coding strand, the complement: AFAP1 is on the minus strand). VCF-style: chr4-7763774-G-A. GRCh37 (hg19) VCF-style: chr4-7765501-G-A.
Other names: c.2184C>T, p.Asn728= (NM_198595.3, NM_001371090.1, NM_001371091.1).
Identifiers: ClinVar variation 2654639 (VCV002654639.24), dbSNP rs114329356, ClinGen allele CA2846374.